The following is an entry in ClinVar:

ClinVar aggregate classification (germline): Uncertain significance. Review status: reviewed by expert panel (3 of 4 stars). 13 submissions from 13 submitters: Uncertain significance (1). 12 of the submissions do not count toward it. Last evaluated 2019-06-05.

Conditions:
BRCA2-related disorder. Also called: BRCA2-related condition; BRCA2-related disorders. Identifiers: MedGen CN239275.
Hereditary cancer-predisposing syndrome. Also called: Neoplastic Syndromes, Hereditary; Tumor predisposition; Hereditary Cancer Syndrome; Hereditary neoplastic syndrome. Identifiers: Orphanet 140162, MedGen C0027672, MeSH D009386, MONDO:0015356.
Hereditary breast ovarian cancer syndrome. Also called: BRCA1- and BRCA2-Associated Hereditary Breast and Ovarian Cancer; Hereditary breast and ovarian cancer; Hereditary breast and ovarian cancer syndrome; Hereditary breast and ovarian cancer syndrome (HBOC); Breast and ovarian cancer; Hereditary breast and/or ovarian cancer syndrome. Identifiers: Orphanet 145, MedGen C0677776, MeSH D061325, MONDO:0003582. Disease mechanism: loss of function.
Breast-ovarian cancer, familial, susceptibility to, 2 (BROVCA2). Also called: BRCA2 Hereditary Breast and Ovarian Cancer. Identifiers: Orphanet 145, MedGen C2675520, MONDO:0012933, OMIM 612555. Disease mechanism: loss of function.
Familial cancer of breast. Also called: hereditary breast carcinoma; Hereditary breast cancer; BREAST CANCER, FAMILIAL. Identifiers: Orphanet 227535, MedGen C0346153, MONDO:0016419, OMIM 114480. Disease mechanism: loss of function.

Submissions 1 to 8 of 13:

Evidence-based Network for the Interpretation of Germline Mutant Alleles (ENIGMA)
Classification: Uncertain significance for Breast-ovarian cancer, familial, susceptibility to, 2. Last evaluated: 2019-06-05. Review status: reviewed by expert panel. Criteria: ENIGMA BRCA1/2 Classification Criteria (2015). Collection method: curation. Allele origin: germline.
Comment: Premature stop codon is located between the recognised high-risk truncating variant c.9924C>G (p.Tyr3308Ter) and the known low-risk truncating variant c.9976A>T (p.Lys3326Ter).

Women's Health and Genetics/Laboratory Corporation of America, LabCorp
Classification: Uncertain significance. Last evaluated: 2026-02-27. Review status: criteria provided, single submitter. Criteria: LabCorp Variant Classification Summary - May 2015. Collection method: clinical testing. Allele origin: germline. Not counted in ClinVar's aggregate classification.
Comment: Variant summary: BRCA2 c.9945delA (p.Glu3316AsnfsX2) results in a premature termination codon in the last exon and is predicted to cause a truncation of the encoded protein however, nonsense mediated decay is not expected to occur. The variant allele was found at a frequency of 1.6e-05 in 254490 control chromosomes. The available data on variant occurrences in the general population are insufficient to allow any conclusion about variant significance. c.9945delA has been observed in individuals affected with with breast cancer (e.g. Copson_2018, Walsh_2021, Nassar_2022). These reports do not provide unequivocal conclusions about association of the variant with Hereditary Breast And Ovarian Cancer Syndrome. At least one publication reports experimental evidence evaluating an impact on protein function. The most pronounced variant effect resulted in 63% homology directed repair capacity relative to the wild type and also displayed cisplatin sensitivity of 61% compared to the wild type in a cell survival assay (Mesman_2018). The following publications have been ascertained in the context of this evaluation (PMID: 29337092, 28301460, 16912212, 29988080, 25136594, 33479248). ClinVar contains an entry for this variant (Variation ID: 96890). Based on the evidence outlined above, the variant was classified as uncertain significance.

Labcorp Genetics (formerly Invitae), Labcorp
Classification: Uncertain significance for Hereditary breast ovarian cancer syndrome. Last evaluated: 2026-02-03. Review status: criteria provided, single submitter. Criteria: Invitae Variant Classification Sherloc (09022015). Collection method: clinical testing. Allele origin: germline. Not counted in ClinVar's aggregate classification.
Comment: This sequence change creates a premature translational stop signal (p.Glu3316Asnfs*2) in the BRCA2 gene. While this is not anticipated to result in nonsense mediated decay, it is expected to disrupt the last 103 amino acid(s) of the BRCA2 protein. This variant is present in population databases (rs778530487, gnomAD 0.02%). This premature translational stop signal has been observed in individual(s) with breast cancer (PMID: 29337092, 33479248, 35264596, 36881271). This variant is also known as 9940delA (K3314fs) and c.9945del (p.Lys3315fs). ClinVar contains an entry for this variant (Variation ID: 96890). Algorithms developed to predict the effect of variants on gene product structure and function are not available or were not evaluated for this variant. Experimental studies have shown that this premature translational stop signal does not substantially affect BRCA2 function (PMID: 29988080). In summary, the available evidence is currently insufficient to determine the role of this variant in disease. Therefore, it has been classified as a Variant of Uncertain Significance.

Center for Genomic Medicine, Rigshospitalet, Copenhagen University Hospital
Classification: Likely benign. Last evaluated: 2025-12-29. Review status: criteria provided, single submitter. Criteria: ACMG Guidelines, 2015. Collection method: clinical testing. Allele origin: germline. Not counted in ClinVar's aggregate classification.
Comment: Classification criteria: BS1_supporting, BS3_strong

Department of Clinical Genetics, Copenhagen University Hospital, Rigshospitalet
Classification: Likely benign for Familial cancer of breast. Last evaluated: 2025-12-10. Review status: criteria provided, single submitter. Criteria: ACMG Guidelines, 2015. Collection method: clinical testing. Allele origin: germline. Not counted in ClinVar's aggregate classification.
Comment: The variant is localised in the last exon (E27) and is therefore not expected to introduce NMD. The variant deletes the last 103 aminoacids of the BRCA2 protein, and preserved the coding sequence upstream of p.Glu3309 (PVS1_N/A). The following ACMG criteria has been used: BS1_SUP (reported in 4 individuals (0.003250%) in non-founder populations in gnomAD v.3.1 (non-cancer)); BP3_Strong (Functional analysis indicates that the variant does not substantially impact BRCA2 function (PMID:18607349;PMID:29988080)). The variant is classified by VCEP expert panel as VUS.

Ambry Genetics
Classification: Uncertain significance for Hereditary cancer-predisposing syndrome. Last evaluated: 2025-11-13. Review status: criteria provided, single submitter. Criteria: Ambry Variant Classification Scheme 2023. Collection method: clinical testing. Allele origin: germline. Not counted in ClinVar's aggregate classification.
Comment: The c.9945delA variant, located in coding exon 26 of the BRCA2 gene, results from a deletion of one nucleotide at nucleotide position 9945, causing a translational frameshift with a predicted alternate stop codon (p.E3316Nfs*2). This alteration occurs at the 3' terminus of BRCA2 gene, is not expected to trigger nonsense-mediated mRNAdecay, and only impacts the last 102 amino acids of the protein. The exact functional effect of this alteration is unknown. This alteration has was reported in 1 of 674 healthy control women without breast cancer who participated in a multi-center population-based case-control study, but was not seen in any of the 1628 women with breast cancer (Malone KE et al. Cancer Res., 2006 Aug;66:8297-308). This alteration was identified in an individual diagnosed with breast cancer (Copson ER et al. Lancet Oncol, 2018 02;19:169-180). One study found this variant to be functionally sufficient in a BRCA2-null mouse embryonic stem cell complementation assay, a homology-directed repair (HDR) assay, and a cisplatin sensitivity assay (Mesman RLS et al. Genet Med, 2019 02;21:293-302). Since supporting evidence is limited at this time, the clinical significance of this alteration remains unclear.

PreventionGenetics, part of Exact Sciences
Classification: Uncertain significance for BRCA2-related condition. Last evaluated: 2025-09-30. Review status: criteria provided, single submitter. Criteria: ACMG Guidelines, 2015. Collection method: clinical testing. Allele origin: germline. Not counted in ClinVar's aggregate classification.
Comment: The BRCA2 c.9945delA variant is predicted to result in a frameshift and premature protein termination (p.Glu3316Asnfs*2). This variant (also known as 9940delA, K3314fs and p.Lys3315fs) has been reported in both affected individuals and in individuals with a history of breast cancer (See for example, Appendix Table 2, Copson et al. 2018. PubMed ID: 29337092; Table S3, Walsh et al. 2021. PubMed ID: 33479248). Functional studies suggest this variant does not substantially impact BRCA2 function (Mesman et al. 2018. PubMed ID: 29988080). This variant is reported in 0.020% of alleles in individuals of African descent in gnomAD. In ClinVar, this variant is interpreted as uncertain and has been reviewed by an expert panel (ClinVar ID: 96890). Taken together, the clinical significance of this variant is uncertain due to the absence of conclusive functional and genetic evidence.

Color Diagnostics, LLC DBA Color Health
Classification: Uncertain significance for Hereditary cancer-predisposing syndrome. Last evaluated: 2024-05-06. Review status: criteria provided, single submitter. Criteria: ACMG Guidelines, 2015. Collection method: clinical testing. Allele origin: germline. Not counted in ClinVar's aggregate classification.
Comment: This variant deletes 1 nucleotide in exon 27 of the BRCA2 gene, creating a frameshift and premature translation stop signal at the carboxyl-terminus of the protein. This truncation is not expected to trigger nonsense-mediated decay. Functional studies using BRCA2-deficient mouse embryonic stem cells reported this variant protein to have intermediate activities in complementation of cell viability, sensitivity to DNA damaging agents and homology-directed DNA repair assays with repair activity that are comparable to likely neutral control variants (PMID: 18607349, 29988080). This variant has been reported in at least three individuals affected with breast cancer (PMID: 33479248, 35264596, 36881271) and in a breast cancer case-control study in an unaffected individuals and absent in cases (PMID: 16912212). This variant has been identified in 5/282368 chromosomes in the general population by the Genome Aggregation Database (gnomAD). Loss of BRCA2 function is a known mechanism of disease. The available evidence is insufficient to determine the role of this variant in disease conclusively. Therefore, this variant is classified as a Variant of Uncertain Significance.

NM_000059.4(BRCA2):c.9945del (p.Glu3316fs)

Gene: BRCA2 (BRCA2 DNA repair associated; plus strand). Cytogenetic location: 13q13.1.
Variant type: Deletion.
Coding change: c.9945del on transcript NM_000059.4 (MANE Select); coding-DNA position 9945, one base deleted (A; older notation c.9945delA).
Protein change: p.Glu3316fs; shifts the reading frame from glutamic acid 3316.
Molecular consequence: frameshift variant.
Genome position (GRCh38, 1-based): chr13:32,398,458, A deleted; the last of 6 consecutive A bases (chr13:32,398,453-32,398,458); deleting any one gives the same sequence. VCF-style (leftmost placement, unchanged base first): chr13-32398452-GA-G. GRCh37 (hg19) VCF-style: chr13-32972589-GA-G.
Other names: 10173delA; c.9945delA (NM_000059.3, NM_000059.4); short protein forms E3316fs.
Identifiers: ClinVar variation 96890 (VCV000096890.39), dbSNP rs431825381, ClinGen allele CA026341.